The following is an entry in ClinVar:

ClinVar aggregate classification (germline): Uncertain significance. Review status: criteria provided, single submitter (1 of 4 stars). 2 submissions from 2 submitters: Uncertain significance (1). 1 of the submissions does not count toward it. Last evaluated 2021-09-01.

Conditions:
Abetalipoproteinaemia (ABL). Also called: MTP DEFICIENCY; Abetalipoproteinemia; Abetalipoproteinemia neuropathy; Apolipoprotein B deficiency; Congenital betalipoprotein deficiency syndrome. Identifiers: Orphanet 14, MedGen C0000744, MONDO:0008692, OMIM 200100, HP:0008181.

Allele frequency attached by ClinVar (database versions not stated): gnomAD exomes below 0.00001; TOPMed below 0.00001; gnomAD 0.00001.
gnomAD v4.1: 2 of 1,613,890 alleles (0.00012%); highest among the groups gnomAD compares: African/African-American, 0.0027%; no homozygotes.

Submissions (2):

Labcorp Genetics (formerly Invitae), Labcorp
Classification: Uncertain significance. Last evaluated: 2021-09-01. Review status: criteria provided, single submitter. Criteria: Invitae Variant Classification Sherloc (09022015). Collection method: clinical testing. Allele origin: germline.
Comment: This sequence change replaces glutamine with arginine at codon 669 of the MTTP protein (p.Gln669Arg). The glutamine residue is moderately conserved and there is a small physicochemical difference between glutamine and arginine. This variant is not present in population databases (ExAC no frequency). This variant has not been reported in the literature in individuals affected with MTTP-related conditions. Algorithms developed to predict the effect of missense changes on protein structure and function (SIFT, PolyPhen-2, Align-GVGD) all suggest that this variant is likely to be tolerated. In summary, the available evidence is currently insufficient to determine the role of this variant in disease. Therefore, it has been classified as a Variant of Uncertain Significance.

Natera, Inc.
Classification: Uncertain significance for Abetalipoproteinemia. Last evaluated: 2021-07-21. Review status: no assertion criteria provided. Collection method: clinical testing. Allele origin: germline. Not counted in ClinVar's aggregate classification.

NM_001386140.1(MTTP):c.2006A>G (p.Gln669Arg)

Gene: MTTP (microsomal triglyceride transfer protein; plus strand). Cytogenetic location: 4q23.
Variant type: single nucleotide variant.
Coding change: c.2006A>G on transcript NM_001386140.1 (MANE Select); coding-DNA position 2006, A replaced by G.
Protein change: p.Gln669Arg; replaces glutamine 669 with arginine.
Molecular consequence: missense variant.
Genome position (GRCh38, 1-based): chr4:99,612,929, A>G. VCF-style: chr4-99612929-A-G. GRCh37 (hg19) VCF-style: chr4-100534086-A-G.
Other names: c.2006A>G, p.Gln669Arg (NM_000253.4); c.1757A>G, p.Gln586Arg (NM_001300785.2); short protein forms Q586R, Q669R.
Identifiers: ClinVar variation 1056762 (VCV001056762.3), dbSNP rs1309109456, ClinGen allele CA357516495.